The following is an entry in ClinVar:

NM_004371.4(COPA):c.426G>T (p.Gln142His)

Gene: COPA (COPI coat complex subunit alpha; minus strand). Cytogenetic location: 1q23.2.
Variant type: single nucleotide variant.
Coding change: c.426G>T on transcript NM_004371.4 (MANE Select); coding-DNA position 426, G replaced by T.
Protein change: p.Gln142His; replaces glutamine 142 with histidine.
Molecular consequence: missense variant.
Genome position (GRCh38, 1-based): chr1:160,332,518, C>A on the plus strand (G>T on the coding strand, the complement: COPA is on the minus strand). VCF-style: chr1-160332518-C-A. GRCh37 (hg19) VCF-style: chr1-160302308-C-A.
Other names: c.426G>T, p.Gln142His (NM_001098398.2); short protein forms Q142H.
Identifiers: ClinVar variation 1304358 (VCV001304358.2), dbSNP rs1647575421, ClinGen allele CA343269580.
Genomic context (GRCh38, chr1:160,332,518, plus strand): 5'-CCAAACGCGCACAGTCTGGTCCAGGCTGGCTGATACTACCAAGTCTTCTGTGGGGTGGAA[C>A]TGAGCACACATCACATAATGGTTGTGCCCTGTTAACACACTGCAAGAAAAAAAAAAGACA-3'
Protein context (NP_004362.2, residues 132-152): TGHNHYVMCA[Gln142His]FHPTEDLVVS

ClinVar aggregate classification (germline): Uncertain significance (1 of 4 stars; one submission).

Allele frequency attached by ClinVar (database versions not stated): gnomAD exomes below 0.00001.
gnomAD v4.1: 2 of 1,613,570 alleles (0.00012%); highest among the groups gnomAD compares: East Asian, 0.0022%; no homozygotes.

Submission:

GeneDx
Classification: Uncertain significance. Last evaluated: 2021-03-13. Review status: criteria provided, single submitter. Criteria: GeneDx Variant Classification Process June 2021. Collection method: clinical testing. Allele origin: germline. Affected: yes.
Comment: Not observed in large population cohorts (Lek et al., 2016); In silico analysis supports that this missense variant has a deleterious effect on protein structure/function; Has not been previously published as pathogenic or benign to our knowledge